The following is an entry in ClinVar:

ClinVar aggregate classification (germline): Uncertain significance (1 of 4 stars; one submission).

Conditions:
Autosomal dominant Parkinson disease 8. Also called: LRRK2-Related Parkinson Disease; Parkinson disease 8; Parkinson disease 8, susceptibility to. Identifiers: Orphanet 411602, MedGen C1846862, MONDO:0011764, OMIM 607060.

Allele frequency attached by ClinVar (database versions not stated): gnomAD exomes below 0.00001.
gnomAD v4.1: 1 of 1,613,212 alleles (0.000062%); highest among the groups gnomAD compares: Non-Finnish European, 0.000085%; no homozygotes.

Submission:

Labcorp Genetics (formerly Invitae), Labcorp
Classification: Uncertain significance for Autosomal dominant Parkinson disease 8. Last evaluated: 2022-06-22. Review status: criteria provided, single submitter. Criteria: Invitae Variant Classification Sherloc (09022015). Collection method: clinical testing. Allele origin: germline.
Comment: In summary, the available evidence is currently insufficient to determine the role of this variant in disease. Therefore, it has been classified as a Variant of Uncertain Significance. Algorithms developed to predict the effect of missense changes on protein structure and function are either unavailable or do not agree on the potential impact of this missense change (SIFT: "Tolerated"; PolyPhen-2: "Probably Damaging"; Align-GVGD: "Class C0"). This variant has not been reported in the literature in individuals affected with LRRK2-related conditions. This variant is not present in population databases (gnomAD no frequency). This sequence change replaces proline, which is neutral and non-polar, with alanine, which is neutral and non-polar, at codon 1298 of the LRRK2 protein (p.Pro1298Ala).

NM_198578.4(LRRK2):c.3892C>G (p.Pro1298Ala)

Gene: LRRK2 (leucine rich repeat kinase 2; plus strand). Cytogenetic location: 12q12.
Variant type: single nucleotide variant.
Coding change: c.3892C>G on transcript NM_198578.4 (MANE Select); coding-DNA position 3892, C replaced by G.
Protein change: p.Pro1298Ala; replaces proline 1298 with alanine.
Molecular consequence: missense variant.
Genome position (GRCh38, 1-based): chr12:40,305,899, C>G. VCF-style: chr12-40305899-C-G. GRCh37 (hg19) VCF-style: chr12-40699701-C-G.
Other names: short protein forms P1298A.
Identifiers: ClinVar variation 2009051 (VCV002009051.4), dbSNP rs865865671, ClinGen allele CA384417278.